The following is an entry in ClinVar:

ClinVar aggregate classification (germline): Uncertain significance (1 of 4 stars; one submission).

Allele frequency attached by ClinVar (database versions not stated): gnomAD exomes below 0.00001 and 0.00001; TOPMed below 0.00001; ExAC 0.00001.
gnomAD v4.1: 9 of 1,613,504 alleles (0.00056%); highest among the groups gnomAD compares: Non-Finnish European, 0.00076%; no homozygotes.

Submission:

Labcorp Genetics (formerly Invitae), Labcorp
Classification: Uncertain significance. Last evaluated: 2021-05-27. Review status: criteria provided, single submitter. Criteria: Invitae Variant Classification Sherloc (09022015). Collection method: clinical testing. Allele origin: germline.
Comment: In summary, the available evidence is currently insufficient to determine the role of this variant in disease. Therefore, it has been classified as a Variant of Uncertain Significance. Algorithms developed to predict the effect of missense changes on protein structure and function output the following: SIFT: "Tolerated"; PolyPhen-2: "Not Available"; Align-GVGD: "Class C0". The glycine amino acid residue is found in multiple mammalian species, suggesting that this missense change does not adversely affect protein function. These predictions have not been confirmed by published functional studies and their clinical significance is uncertain. This variant has not been reported in the literature in individuals with PCLO-related conditions. This variant is present in population databases (rs745707563, ExAC 0.002%). This sequence change replaces serine with glycine at codon 1454 of the PCLO protein (p.Ser1454Gly). The serine residue is weakly conserved and there is a small physicochemical difference between serine and glycine.

NM_033026.6(PCLO):c.4360A>G (p.Ser1454Gly)

Gene: PCLO (piccolo presynaptic cytomatrix protein; minus strand). Cytogenetic location: 7q21.11.
Variant type: single nucleotide variant.
Coding change: c.4360A>G on transcript NM_033026.6 (MANE Select); coding-DNA position 4360, A replaced by G.
Protein change: p.Ser1454Gly; replaces serine 1454 with glycine.
Molecular consequence: missense variant.
Genome position (GRCh38, 1-based): chr7:82,956,593, T>C on the plus strand (A>G on the coding strand, the complement: PCLO is on the minus strand). VCF-style: chr7-82956593-T-C. GRCh37 (hg19) VCF-style: chr7-82585909-T-C.
Other names: c.4360A>G, p.Ser1454Gly (NM_014510.3); short protein forms S1454G.
Identifiers: ClinVar variation 1442036 (VCV001442036.8), dbSNP rs745707563, ClinGen allele CA4320843.